The following is an entry in ClinVar:

NM_000243.3(MEFV):c.718C>T (p.Pro240Ser)

Gene: MEFV (MEFV innate immunity regulator, pyrin; minus strand). Cytogenetic location: 16p13.3.
Variant type: single nucleotide variant.
Coding change: c.718C>T on transcript NM_000243.3 (MANE Select); coding-DNA position 718, C replaced by T.
Protein change: p.Pro240Ser; replaces proline 240 with serine.
Molecular consequence: missense variant. On other transcripts: intron variant (1).
Genome position (GRCh38, 1-based): chr16:3,254,350, G>A on the plus strand (C>T on the coding strand, the complement: MEFV is on the minus strand). VCF-style: chr16-3254350-G-A. GRCh37 (hg19) VCF-style: chr16-3304350-G-A.
Other names: c.277+1961C>T (NM_001198536.2); short protein forms P240S.
Identifiers: ClinVar variation 1496759 (VCV001496759.7), dbSNP rs1310144955, ClinGen allele CA394478172.
Genomic context (GRCh38, chr16:3,254,350, plus strand): 5'-GAATTTCTGGATTTGCGGGCGCCTTCTCCCCTGTAGAAATGGTGACCTCAAGGCTTCTAG[G>A]TCGCATCTTTCCCGAGGGCAGGTACACTTCGAAGGGCCTGCACTCCTTCTGCCCCGGGGC-3'
Protein context (NP_000234.1, residues 230-250): EVYLPSGKMR[Pro240Ser]RSLEVTISTG

ClinVar aggregate classification (germline): Uncertain significance (1 of 4 stars; one submission).

Conditions:
Familial Mediterranean fever (FMF). Also called: POLYSEROSITIS, FAMILIAL PAROXYSMAL; POLYSEROSITIS, RECURRENT; Periodic peritonitis; Benign paroxysmal peritonitis. Identifiers: Orphanet 342, MedGen C0031069, MONDO:0018088, OMIM 249100. Disease mechanism: gain of function.

Submission:

Labcorp Genetics (formerly Invitae), Labcorp
Classification: Uncertain significance for Familial Mediterranean fever. Last evaluated: 2024-10-29. Review status: criteria provided, single submitter. Criteria: Invitae Variant Classification Sherloc (09022015). Collection method: clinical testing. Allele origin: germline.
Comment: This sequence change replaces proline, which is neutral and non-polar, with serine, which is neutral and polar, at codon 240 of the MEFV protein (p.Pro240Ser). This variant is not present in population databases (gnomAD no frequency). This variant has not been reported in the literature in individuals affected with MEFV-related conditions. ClinVar contains an entry for this variant (Variation ID: 1496759). An algorithm developed to predict the effect of missense changes on protein structure and function (PolyPhen-2) suggests that this variant is likely to be disruptive. In summary, the available evidence is currently insufficient to determine the role of this variant in disease. Therefore, it has been classified as a Variant of Uncertain Significance.